The following is an entry in ClinVar:

ClinVar aggregate classification (germline): Pathogenic (1 of 4 stars; one submission).

Conditions:
Neu-Laxova syndrome 2. Identifiers: Orphanet 2671, Orphanet 583602, MedGen C4015019, MONDO:0014466, OMIM 616038.

Submission:

Labcorp Genetics (formerly Invitae), Labcorp
Classification: Pathogenic for Neu-Laxova syndrome 2. Last evaluated: 2023-12-22. Review status: criteria provided, single submitter. Criteria: Invitae Variant Classification Sherloc (09022015). Collection method: clinical testing. Allele origin: germline.
Comment: This sequence change creates a premature translational stop signal (p.Ala171Thrfs*4) in the PSAT1 gene. It is expected to result in an absent or disrupted protein product. Loss-of-function variants in PSAT1 are known to be pathogenic (PMID: 17436247, 25152457). This variant is not present in population databases (gnomAD no frequency). This variant has not been reported in the literature in individuals affected with PSAT1-related conditions. ClinVar contains an entry for this variant (Variation ID: 2119384). Algorithms developed to predict the effect of sequence changes on RNA splicing suggest that this variant may disrupt the consensus splice site. For these reasons, this variant has been classified as Pathogenic.

Literature cited by the submitters: PubMed 17436247; PubMed 25152457.

NM_058179.4(PSAT1):c.510_514del (p.Ala171fs)

Gene: PSAT1 (phosphoserine aminotransferase 1; plus strand). Cytogenetic location: 9q21.2.
Variant type: Deletion.
Coding change: c.510_514del on transcript NM_058179.4 (MANE Select); coding-DNA positions 510 to 514, 5 bases deleted (AGCAG; older notation c.510_514delAGCAG).
Protein change: p.Ala171fs; shifts the reading frame from alanine 171.
Molecular consequence: frameshift variant.
Genome position (GRCh38, 1-based): chr9:78,306,426-78,306,430, AGCAG deleted; deleting any 5 consecutive bases within chr9:78,306,425-78,306,430 gives the same sequence; the c. name uses the placement nearest the transcript's 3' end. VCF-style (leftmost placement, unchanged base first): chr9-78306424-GGAGCA-G. GRCh37 (hg19) VCF-style: chr9-80921340-GGAGCA-G.
Other names: c.510_514del, p.Ala171fs (NM_021154.5); short protein forms A171fs.
Identifiers: ClinVar variation 2119384 (VCV002119384.4), dbSNP rs1828184824, ClinGen allele CA1857666466.